The following is an entry in ClinVar:

ClinVar aggregate classification (germline): Uncertain significance (1 of 4 stars; one submission).

Conditions:
STT3B-congenital disorder of glycosylation. Also called: Congenital disorder of glycosylation type 1x; STT3B-CDG; CDG Ix. Identifiers: Orphanet 370924, MedGen C2931007, MONDO:0014271, OMIM 615597.

Submission:

Labcorp Genetics (formerly Invitae), Labcorp
Classification: Uncertain significance for STT3B-congenital disorder of glycosylation. Last evaluated: 2022-04-18. Review status: criteria provided, single submitter. Criteria: Invitae Variant Classification Sherloc (09022015). Collection method: clinical testing. Allele origin: germline.
Comment: In summary, the available evidence is currently insufficient to determine the role of this variant in disease. Therefore, it has been classified as a Variant of Uncertain Significance. Algorithms developed to predict the effect of missense changes on protein structure and function (SIFT, PolyPhen-2, Align-GVGD) all suggest that this variant is likely to be tolerated. This variant has not been reported in the literature in individuals affected with STT3B-related conditions. This variant is not present in population databases (gnomAD no frequency). This sequence change replaces glutamine, which is neutral and polar, with histidine, which is basic and polar, at codon 338 of the STT3B protein (p.Gln338His).

NM_178862.3(STT3B):c.1014G>T (p.Gln338His)

Gene: STT3B (STT3 oligosaccharyltransferase complex catalytic subunit B; plus strand). Cytogenetic location: 3p23.
Variant type: single nucleotide variant.
Coding change: c.1014G>T on transcript NM_178862.3 (MANE Select); coding-DNA position 1014, G replaced by T.
Protein change: p.Gln338His; replaces glutamine 338 with histidine.
Molecular consequence: missense variant.
Genome position (GRCh38, 1-based): chr3:31,616,966, G>T. VCF-style: chr3-31616966-G-T. GRCh37 (hg19) VCF-style: chr3-31658458-G-T.
Other names: short protein forms Q338H.
Identifiers: ClinVar variation 2122459 (VCV002122459.4), dbSNP rs2470699726, ClinGen allele CA351817869.